The following is an entry in ClinVar:

ClinVar aggregate classification (germline): Uncertain significance (1 of 4 stars; one submission).

Conditions:
Familial temporal lobe epilepsy 7. Identifiers: Orphanet 101046, MedGen C4225327, MONDO:0014639, OMIM 616436.
Norman-Roberts syndrome (LIS2). Also called: Lissencephaly 2 (Norman-Roberts type). Identifiers: Orphanet 89844, MedGen C0796089, MONDO:0009760, OMIM 257320.

gnomAD v4.1: 3 of 1,613,818 alleles (0.00019%); highest among the groups gnomAD compares: Admixed American, 0.005%; no homozygotes.

Submission:

Labcorp Genetics (formerly Invitae), Labcorp
Classification: Uncertain significance for Familial temporal lobe epilepsy 7; Norman-Roberts syndrome. Last evaluated: 2024-11-29. Review status: criteria provided, single submitter. Criteria: Invitae Variant Classification Sherloc (09022015). Collection method: clinical testing. Allele origin: germline.
Comment: This sequence change replaces methionine, which is neutral and non-polar, with lysine, which is basic and polar, at codon 2135 of the RELN protein (p.Met2135Lys). This variant is not present in population databases (gnomAD no frequency). This variant has not been reported in the literature in individuals affected with RELN-related conditions. Invitae Evidence Modeling of protein sequence and biophysical properties (such as structural, functional, and spatial information, amino acid conservation, physicochemical variation, residue mobility, and thermodynamic stability) indicates that this missense variant is not expected to disrupt RELN protein function with a negative predictive value of 80%. In summary, the available evidence is currently insufficient to determine the role of this variant in disease. Therefore, it has been classified as a Variant of Uncertain Significance.

NM_005045.4(RELN):c.6404T>A (p.Met2135Lys)

Gene: RELN (reelin; minus strand). Cytogenetic location: 7q22.1.
Variant type: single nucleotide variant.
Coding change: c.6404T>A on transcript NM_005045.4 (MANE Select); coding-DNA position 6404, T replaced by A.
Protein change: p.Met2135Lys; replaces methionine 2135 with lysine.
Molecular consequence: missense variant.
Genome position (GRCh38, 1-based): chr7:103,545,243, A>T on the plus strand (T>A on the coding strand, the complement: RELN is on the minus strand). VCF-style: chr7-103545243-A-T. GRCh37 (hg19) VCF-style: chr7-103185690-A-T.
Other names: c.6404T>A, p.Met2135Lys (NM_173054.3); short protein forms M2135K.
Identifiers: ClinVar variation 3750147 (VCV003750147.2).